The following is an entry in ClinVar:

ClinVar aggregate classification (germline): Uncertain significance (1 of 4 stars; one submission).

Allele frequency attached by ClinVar (database versions not stated): TOPMed below 0.00001; ExAC 0.00001; gnomAD 0.00001; gnomAD exomes 0.00002.
gnomAD v4.1: 24 of 1,544,686 alleles (0.0016%); highest among the groups gnomAD compares: Non-Finnish European, 0.0021%; no homozygotes.

Submission:

GeneDx
Classification: Uncertain significance. Last evaluated: 2022-08-15. Review status: criteria provided, single submitter. Criteria: GeneDx Variant Classification Process June 2021. Collection method: clinical testing. Allele origin: germline. Affected: yes.
Comment: Not observed at significant frequency in large population cohorts (gnomAD); In silico analysis supports that this missense variant does not alter protein structure/function; Has not been previously published as pathogenic or benign to our knowledge

NM_015602.4(TOR1AIP1):c.131C>T (p.Ala44Val)

Genes: TOR1AIP1 (torsin 1A interacting protein 1; plus strand), LOC112577517 (Sharpr-MPRA regulatory region 13766; plus strand). Cytogenetic location: 1q25.2.
Variant type: single nucleotide variant.
Coding change: c.131C>T on transcript NM_015602.4 (MANE Select); coding-DNA position 131, C replaced by T.
Protein change: p.Ala44Val; replaces alanine 44 with valine.
Molecular consequence: missense variant.
Genome position (GRCh38, 1-based): chr1:179,882,633, C>T. VCF-style: chr1-179882633-C-T. GRCh37 (hg19) VCF-style: chr1-179851768-C-T.
Other names: c.131C>T, p.Ala44Val (NM_001267578.2); short protein forms A44V.
Identifiers: ClinVar variation 2430695 (VCV002430695.1), dbSNP rs778308061, ClinGen allele CA1268662.